The following is an entry in ClinVar:

ClinVar aggregate classification (germline): Conflicting classifications of pathogenicity. Review status: criteria provided, conflicting classifications (1 of 4 stars). 2 submissions from 2 submitters: Uncertain significance (1); Benign (1). Last evaluated 2025-08-04.

Conditions:
Bethlem myopathy 1A. Also called: MYOPATHY, BENIGN CONGENITAL, WITH CONTRACTURES; Bethlem Muscular Dystrophy; Bethlem myopathy 1. Identifiers: Orphanet 610, MedGen CN029274, MONDO:0024530, OMIM 158810.

Allele frequency attached by ClinVar (database versions not stated): gnomAD exomes 0.00001 and 0.00002; ExAC 0.00003; gnomAD 0.00005 and 0.00006; TOPMed 0.00006; ESP Exome Variant Server 0.00008.
gnomAD v4.1: 30 of 1,611,824 alleles (0.0019%); highest among the groups gnomAD compares: African/African-American, 0.023%; no homozygotes.

Submissions (2):

Labcorp Genetics (formerly Invitae), Labcorp
Classification: Benign for Bethlem myopathy 1A. Last evaluated: 2025-08-04. Review status: criteria provided, single submitter. Criteria: Invitae Variant Classification Sherloc (09022015). Collection method: clinical testing. Allele origin: germline.

GeneDx
Classification: Uncertain significance. Last evaluated: 2025-03-19. Review status: criteria provided, single submitter. Criteria: GeneDx Variant Classification Process June 2021. Collection method: clinical testing. Allele origin: germline. Affected: yes.
Comment: In silico analysis indicates that this missense variant does not alter protein structure/function; Has not been previously published as pathogenic or benign to our knowledge

NM_001849.4(COL6A2):c.698G>A (p.Arg233His)

Gene: COL6A2 (collagen type VI alpha 2 chain; plus strand). Cytogenetic location: 21q22.3.
Variant type: single nucleotide variant.
Coding change: c.698G>A on transcript NM_001849.4 (MANE Select); coding-DNA position 698, G replaced by A.
Protein change: p.Arg233His; replaces arginine 233 with histidine.
Molecular consequence: missense variant.
Genome position (GRCh38, 1-based): chr21:46,112,561, G>A. VCF-style: chr21-46112561-G-A. GRCh37 (hg19) VCF-style: chr21-47532475-G-A.
Other names: c.698G>A, p.Arg233His (NM_058174.3, NM_058175.3); short protein forms R233H.
Identifiers: ClinVar variation 542993 (VCV000542993.11), dbSNP rs146742517, ClinGen allele CA10071377.